The following is an entry in ClinVar:

NM_020778.5(ALPK3):c.3682C>T (p.Arg1228Trp)

Gene: ALPK3 (alpha kinase 3; plus strand). Cytogenetic location: 15q25.3.
Variant type: single nucleotide variant.
Coding change: c.3682C>T on transcript NM_020778.5 (MANE Select); coding-DNA position 3682, C replaced by T.
Protein change: p.Arg1228Trp; replaces arginine 1228 with tryptophan.
Molecular consequence: missense variant.
Genome position (GRCh38, 1-based): chr15:84,858,420, C>T. VCF-style: chr15-84858420-C-T. GRCh37 (hg19) VCF-style: chr15-85401651-C-T.
Other names: short protein forms R1228W.
Identifiers: ClinVar variation 1206005 (VCV001206005.15), dbSNP rs537104966, ClinGen allele CA7709692.

ClinVar aggregate classification (germline): Conflicting classifications of pathogenicity. Review status: criteria provided, conflicting classifications (1 of 4 stars). 7 submissions from 7 submitters: Uncertain significance (2); Likely benign (3). 2 of the submissions do not count toward it. Last evaluated 2026-08-07.

Conditions:
Cardiovascular phenotype. Identifiers: MedGen CN230736.
ALPK3-related disorder. Also called: ALPK3-related condition.

Allele frequency attached by ClinVar (database versions not stated): 1000 Genomes Project 0.00020; 1000 Genomes Project 30x 0.00031; ExAC 0.00081.

Submissions (7):

Ambry Genetics
Classification: Likely benign for Cardiovascular phenotype. Last evaluated: 2026-08-07. Review status: criteria provided, single submitter. Criteria: Ambry Variant Classification Scheme 2023. Collection method: clinical testing. Allele origin: germline.

Labcorp Genetics (formerly Invitae), Labcorp
Classification: Uncertain significance. Last evaluated: 2026-01-05. Review status: criteria provided, single submitter. Criteria: Invitae Variant Classification Sherloc (09022015). Collection method: clinical testing. Allele origin: germline.
Comment: This sequence change replaces arginine, which is basic and polar, with tryptophan, which is neutral and slightly polar, at codon 1430 of the ALPK3 protein (p.Arg1430Trp). This variant is present in population databases (rs537104966, gnomAD 0.2%), including at least one homozygous and/or hemizygous individual. This variant has not been reported in the literature in individuals affected with ALPK3-related conditions. ClinVar contains an entry for this variant (Variation ID: 1206005). Invitae Evidence Modeling of protein sequence and biophysical properties (such as structural, functional, and spatial information, amino acid conservation, physicochemical variation, residue mobility, and thermodynamic stability) indicates that this missense variant is expected to disrupt ALPK3 protein function with a positive predictive value of 80%. In summary, the available evidence is currently insufficient to determine the role of this variant in disease. Therefore, it has been classified as a Variant of Uncertain Significance.

PreventionGenetics, part of Exact Sciences
Classification: Likely benign for ALPK3-related condition. Last evaluated: 2025-05-20. Review status: criteria provided, single submitter. Criteria: ACMG Guidelines, 2015. Collection method: clinical testing. Allele origin: germline.
Comment: This variant is classified as likely benign based on ACMG/AMP sequence variant interpretation guidelines (Richards et al. 2015 PMID: 25741868, with internal and published modifications).

Blueprint Genetics
Classification: Likely benign. Last evaluated: 2024-11-17. Review status: criteria provided, single submitter. Criteria: ACMG Guidelines, 2015. Collection method: clinical testing. Allele origin: germline.

GeneDx
Classification: Uncertain significance. Last evaluated: 2023-06-08. Review status: criteria provided, single submitter. Criteria: GeneDx Variant Classification Process June 2021. Collection method: clinical testing. Allele origin: germline. Affected: yes.
Comment: In silico analysis supports that this missense variant has a deleterious effect on protein structure/function; Has not been previously published as pathogenic or benign to our knowledge

Clinical Genetics DNA and cytogenetics Diagnostics Lab, Erasmus MC, Erasmus Medical Center
Classification: Likely benign. Review status: no assertion criteria provided. Collection method: clinical testing. Allele origin: germline. Affected: yes. Study: VKGL Data-share Consensus. Not counted in ClinVar's aggregate classification.

Laboratory of Diagnostic Genome Analysis, Leiden University Medical Center (LUMC)
Classification: Likely benign. Review status: no assertion criteria provided. Collection method: clinical testing. Allele origin: germline. Affected: yes. Study: VKGL Data-share Consensus. Not counted in ClinVar's aggregate classification.